The following is an entry in ClinVar:

ClinVar aggregate classification (germline): Uncertain significance (1 of 4 stars; one submission).

Conditions:
Congenital myasthenic syndrome 8. Also called: MYASTHENIC SYNDROME, CONGENITAL, DUE TO AGRIN DEFICIENCY; Myasthenic syndrome, congenital, 8, with pre- and postsynaptic defects. Identifiers: Orphanet 590, MedGen C3808739, MONDO:0014052, OMIM 615120.

Allele frequency attached by ClinVar (database versions not stated): gnomAD 0.00002; ExAC 0.00001; gnomAD exomes 0.00001; TOPMed 0.00003.
gnomAD v4.1: 19 of 1,604,754 alleles (0.0012%); highest among the groups gnomAD compares: Non-Finnish European, 0.0015%; no homozygotes.

Submission:

Labcorp Genetics (formerly Invitae), Labcorp
Classification: Uncertain significance for Congenital myasthenic syndrome 8. Last evaluated: 2022-07-19. Review status: criteria provided, single submitter. Criteria: Invitae Variant Classification Sherloc (09022015). Collection method: clinical testing. Allele origin: germline.
Comment: This sequence change replaces valine, which is neutral and non-polar, with methionine, which is neutral and non-polar, at codon 1041 of the AGRN protein (p.Val1041Met). This variant is present in population databases (rs779698930, gnomAD 0.007%). This variant has not been reported in the literature in individuals affected with AGRN-related conditions. ClinVar contains an entry for this variant (Variation ID: 842922). Algorithms developed to predict the effect of missense changes on protein structure and function output the following: SIFT: "Tolerated"; PolyPhen-2: "Possibly Damaging"; Align-GVGD: "Class C0". The methionine amino acid residue is found in multiple mammalian species, which suggests that this missense change does not adversely affect protein function. In summary, the available evidence is currently insufficient to determine the role of this variant in disease. Therefore, it has been classified as a Variant of Uncertain Significance.

NM_198576.4(AGRN):c.3121G>A (p.Val1041Met)

Gene: AGRN (agrin; plus strand). Cytogenetic location: 1p36.33.
Variant type: single nucleotide variant.
Coding change: c.3121G>A on transcript NM_198576.4 (MANE Select); coding-DNA position 3121, G replaced by A.
Protein change: p.Val1041Met; replaces valine 1041 with methionine.
Molecular consequence: missense variant.
Genome position (GRCh38, 1-based): chr1:1,046,606, G>A. VCF-style: chr1-1046606-G-A. GRCh37 (hg19) VCF-style: chr1-981986-G-A.
Other names: c.3121G>A, p.Val1041Met (NM_001305275.2); c.2806G>A, p.Val936Met (NM_001364727.2); short protein forms V1041M, V936M.
Identifiers: ClinVar variation 842922 (VCV000842922.7), dbSNP rs779698930, ClinGen allele CA508958.